The following is an entry in ClinVar:

NM_000404.4(GLB1):c.*184G>A

Gene: GLB1 (galactosidase beta 1; minus strand). Cytogenetic location: 3p22.3.
Variant type: single nucleotide variant.
Coding change: c.*184G>A on transcript NM_000404.4 (MANE Select); 184 bases downstream of the stop codon, G replaced by A.
Molecular consequence: 3 prime UTR variant. On other transcripts: intron variant (1).
Genome position (GRCh38, 1-based): chr3:32,996,861, C>T on the plus strand (G>A on the coding strand, the complement: GLB1 is on the minus strand). VCF-style: chr3-32996861-C-T. GRCh37 (hg19) VCF-style: chr3-33038353-C-T.
Other names: c.*184G>A (NM_001079811.3, NM_001135602.3, NM_001317040.2); c.1734+17195G>A (NM_001393580.1).
Identifiers: ClinVar variation 344781 (VCV000344781.5), dbSNP rs143430374, ClinGen allele CA10616126.

ClinVar aggregate classification (germline): Likely benign. Review status: criteria provided, single submitter (1 of 4 stars). 2 submissions from 1 submitter: Likely benign (2). Last evaluated 2018-01-13.

Conditions:
GM1 gangliosidosis. Identifiers: Orphanet 354, MedGen C0085131, MONDO:0018149.
Mucopolysaccharidosis, MPS-IV-B (MPS4B). Also called: Mucopolysaccharidosis type IV B; Mucopolysaccharidosis Type IVB (Morquio B Disease); Mucopolysaccharidosis type 4B; Mucopolysaccharidosis type IVB (Morquio); MPS IVB; Mucopolysaccharidosis Type IVB. Identifiers: Orphanet 309310, Orphanet 582, MedGen C0086652, MONDO:0009660, OMIM 253010.

Allele frequency attached by ClinVar (database versions not stated): gnomAD exomes 0.00039; 1000 Genomes Project 30x 0.00375; 1000 Genomes Project 0.00379; gnomAD 0.00447 and 0.00483; TOPMed 0.00535.
gnomAD v4.1: 1,063 of 1,059,684 alleles (0.1%); highest among the groups gnomAD compares: African/African-American, 1.5%; 7 homozygotes.

Submissions (2):

Illumina Laboratory Services, Illumina
Classification: Likely benign for Mucopolysaccharidosis, MPS-IV-B. Last evaluated: 2018-01-13. Review status: criteria provided, single submitter. Criteria: ICSL Variant Classification Criteria 13 December 2019. Collection method: clinical testing. Allele origin: germline.
Comment: This variant was observed in the ICSL laboratory as part of a predisposition screen in an ostensibly healthy population. It had not been previously curated by ICSL or reported in the Human Gene Mutation Database (HGMD: prior to June 1st, 2018), and was therefore a candidate for classification through an automated scoring system. Utilizing variant allele frequency, disease prevalence and penetrance estimates, and inheritance mode, an automated score was calculated to assess if this variant is too frequent to cause the disease. Based on the score and internal cut-off values, a variant classified as likely benign is not then subjected to further curation. The score for this variant resulted in a classification of likely benign for this disease.

Illumina Laboratory Services, Illumina
Classification: Likely benign for GM1 gangliosidosis. Last evaluated: 2018-01-13. Review status: criteria provided, single submitter. Criteria: ICSL Variant Classification Criteria 13 December 2019. Collection method: clinical testing. Allele origin: germline.
Comment: the same text as in the submission from Illumina Laboratory Services, Illumina above.